The following is an entry in ClinVar:

NM_018136.5(ASPM):c.712C>T (p.Pro238Ser)

Gene: ASPM (assembly factor for spindle microtubules; minus strand). Cytogenetic location: 1q31.3.
Variant type: single nucleotide variant.
Coding change: c.712C>T on transcript NM_018136.5 (MANE Select); coding-DNA position 712, C replaced by T.
Protein change: p.Pro238Ser; replaces proline 238 with serine.
Molecular consequence: missense variant.
Genome position (GRCh38, 1-based): chr1:197,143,540, G>A on the plus strand (C>T on the coding strand, the complement: ASPM is on the minus strand). VCF-style: chr1-197143540-G-A. GRCh37 (hg19) VCF-style: chr1-197112670-G-A.
Other names: c.712C>T, p.Pro238Ser (NM_001206846.2); short protein forms P238S.
Identifiers: ClinVar variation 877002 (VCV000877002.12), dbSNP rs148338547, ClinGen allele CA1310818.
Genomic context (GRCh38, chr1:197,143,540, plus strand): 5'-GTTCCCTATTTTCTGATGCATGAAGAGATGAGTAGGTAGTAGATCGACGTACAGAGAGTG[G>A]CAAGCAAGTTGCACCATGGCATTCATTGAAAGCAGGGCTAATAGGTGATATGGGTATTTT-3'
Protein context (NP_060606.3, residues 228-248): FNECHGATCL[Pro238Ser]LSVRRSTTYS

ClinVar aggregate classification (germline): Uncertain significance. Review status: criteria provided, multiple submitters, no conflicts (2 of 4 stars). 7 submissions from 7 submitters: Uncertain significance (7). Last evaluated 2023-10-10.

Conditions:
Microcephaly 5, primary, autosomal recessive (MCPH5). Also called: ASPM Primary Microcephaly. Identifiers: Orphanet 2512, MedGen C1837501, MONDO:0012106, OMIM 608716.
Inborn genetic diseases. Identifiers: MedGen C0950123, MeSH D030342.

Allele frequency attached by ClinVar (database versions not stated): gnomAD exomes 0.00006 and 0.00007; TOPMed 0.00008; ExAC 0.00009; gnomAD 0.00009 and 0.00010; 1000 Genomes Project 30x 0.00016; 1000 Genomes Project 0.00020; ESP Exome Variant Server 0.00023.
gnomAD v4.1: 113 of 1,613,812 alleles (0.007%); highest among the groups gnomAD compares: Middle Eastern, 0.049%; no homozygotes.

Submissions (7):

Ambry Genetics
Classification: Uncertain significance for Inborn genetic diseases. Last evaluated: 2023-10-10. Review status: criteria provided, single submitter. Criteria: Ambry Variant Classification Scheme 2023. Collection method: clinical testing. Allele origin: germline.
Comment: The alteration results in an amino acid change:_x000D_ _x000D_ The c.712C>T (p.P238S) alteration is located in coding exon 3 of the ASPM gene. This alteration results from a C to T substitution at nucleotide position 712, causing the proline (P) at amino acid position 238 to be replaced by a serine (S). The alteration is ultra rare in population databases:_x000D_ _x000D_ Based on data from the Genome Aggregation Database (gnomAD), the ASPM c.712C>T alteration was observed in 0.007% (19/276,628) total alleles studied. The altered amino acid is not conserved throughout evolution:_x000D_ _x000D_ The p.P238 amino acid is not well conserved in available vertebrate species, and serine is the reference allele in several species. The alteration is predicted benign by in silico models:_x000D_ _x000D_ The p.P238S alteration is predicted to be benign by Polyphen and tolerated by SIFT in silico analyses. Based on insufficient or conflicting evidence, the clinical significance of this alteration remains unclear.

Genome-Nilou Lab
Classification: Uncertain significance for Microcephaly 5, primary, autosomal recessive. Last evaluated: 2023-04-11. Review status: criteria provided, single submitter. Criteria: ACMG Guidelines, 2015. Collection method: clinical testing. Allele origin: germline. Affected: no.

Labcorp Genetics (formerly Invitae), Labcorp
Classification: Uncertain significance. Last evaluated: 2022-07-19. Review status: criteria provided, single submitter. Criteria: Invitae Variant Classification Sherloc (09022015). Collection method: clinical testing. Allele origin: germline.
Comment: This sequence change replaces proline, which is neutral and non-polar, with serine, which is neutral and polar, at codon 238 of the ASPM protein (p.Pro238Ser). This variant is present in population databases (rs148338547, gnomAD 0.01%). This variant has not been reported in the literature in individuals affected with ASPM-related conditions. ClinVar contains an entry for this variant (Variation ID: 877002). Algorithms developed to predict the effect of missense changes on protein structure and function output the following: SIFT: "Tolerated"; PolyPhen-2: "Benign"; Align-GVGD: "Class C0". The serine amino acid residue is found in multiple mammalian species, which suggests that this missense change does not adversely affect protein function. In summary, the available evidence is currently insufficient to determine the role of this variant in disease. Therefore, it has been classified as a Variant of Uncertain Significance.

Fulgent Genetics
Classification: Uncertain significance for Microcephaly 5, primary, autosomal recessive. Last evaluated: 2022-01-05. Review status: criteria provided, single submitter. Criteria: ACMG Guidelines, 2015. Collection method: clinical testing. Allele origin: unknown.

GeneDx
Classification: Uncertain significance. Last evaluated: 2019-06-04. Review status: criteria provided, single submitter. Criteria: GeneDx Variant Classification Process June 2021. Collection method: clinical testing. Allele origin: germline. Affected: yes.
Comment: Not observed at a significant frequency in large population cohorts (Lek et al., 2016); In silico analysis, which includes protein predictors and evolutionary conservation, supports a deleterious effect; Has not been previously published as pathogenic or benign to our knowledge

Illumina Laboratory Services, Illumina
Classification: Uncertain significance for Microcephaly 5, primary, autosomal recessive. Last evaluated: 2018-01-13. Review status: criteria provided, single submitter. Criteria: ICSL Variant Classification Criteria 13 December 2019. Collection method: clinical testing. Allele origin: germline.

Breakthrough Genomics
Classification: Uncertain significance. Review status: criteria provided, single submitter. Criteria: ACMG Guidelines, 2015. Collection method: not provided. Allele origin: germline. Inheritance: Autosomal recessive inheritance. Affected: yes.